The following is an entry in ClinVar:

ClinVar aggregate classification (germline): Likely benign (1 of 4 stars; one submission).

Allele frequency attached by ClinVar (database versions not stated): 1000 Genomes Project 30x 0.00016; ExAC 0.00008; 1000 Genomes Project 0.00020.
gnomAD v4.1: 83 of 1,589,910 alleles (0.0052%); highest among the groups gnomAD compares: East Asian, 0.18%; no homozygotes.

Submission:

GeneDx
Classification: Likely benign. Last evaluated: 2021-10-30. Review status: criteria provided, single submitter. Criteria: GeneDx Variant Classification Process June 2021. Collection method: clinical testing. Allele origin: germline. Affected: yes.
Comment: See Variant Classification Assertion Criteria.

NM_000414.4(HSD17B4):c.1855-50A>T

Gene: HSD17B4 (hydroxysteroid 17-beta dehydrogenase 4; plus strand). Cytogenetic location: 5q23.1.
Variant type: single nucleotide variant.
Coding change: c.1855-50A>T on transcript NM_000414.4 (MANE Select); 50 bases into the intron before coding-DNA position 1855, A replaced by T.
Molecular consequence: intron variant.
Genome position (GRCh38, 1-based): chr5:119,531,216, A>T. VCF-style: chr5-119531216-A-T. GRCh37 (hg19) VCF-style: chr5-118866911-A-T.
Other names: c.1444-50A>T (NM_001374503.1, NM_001374502.1, NM_001374501.1); c.1930-50A>T (NM_001199291.3); c.1528-50A>T (NM_001374499.1); c.1414-50A>T (NM_001374500.1); c.1435-50A>T (NM_001292028.2); c.1783-50A>T (NM_001292027.2, NM_001374498.1); c.1846-50A>T (NM_001374497.1); c.1801-50A>T (NM_001199292.2).
Identifiers: ClinVar variation 1683846 (VCV001683846.2), dbSNP rs34072936, ClinGen allele CA3382430.